The following is an entry in ClinVar:

ClinVar aggregate classification (germline): Pathogenic/Likely pathogenic. Review status: criteria provided, multiple submitters, no conflicts (2 of 4 stars). 3 submissions from 3 submitters: Pathogenic (2); Likely pathogenic (1). Last evaluated 2026-04-14.

Conditions:
Benign recurrent intrahepatic cholestasis type 1. Also called: SUMMERSKILL SYNDROME; Mild-to-Moderate ATP8B1 Deficiency (Benign Recurrent Intrahepatic Cholestasis 1 [BRIC1]). Identifiers: Orphanet 65682, Orphanet 99960, MedGen C4551899, MONDO:0009469, OMIM 243300.
Familial intrahepatic cholestasis. Identifiers: Orphanet 284385, MedGen CN296401, MONDO:0017290.

gnomAD v4.1: 5 of 1,601,398 alleles (0.00031%); highest among the groups gnomAD compares: East Asian, 0.0089%; no homozygotes.

Submissions (3):

Genomenon, Inc
Classification: Likely pathogenic for Familial intrahepatic cholestasis. Last evaluated: 2026-04-14. Review status: criteria provided, single submitter. Criteria: Genomenon Sequence Variant Interpretation Standards - Updated. Collection method: curation. Allele origin: germline. Affected: yes.
Comment: ATP8B1 p.Ile694Asn (c.2081T>A) is a missense variant that changes the amino acid at residue 694 from Isoleucine to Asparagine. This variant has been observed in at least one proband with features of ATP8B1-deficiency (PMID:40851490;30366773;20038848;27530795;26382629). It has been observed in trans with a pathogenic or likely pathogenic variant (PMID:26382629). It is absent or not present at a significant frequency in gnomAD. In silico models predict that this variant is possibly or probably damaging. In conclusion, we classify ATP8B1 p.Ile694Asn (c.2081T>A) as a likely pathogenic variant.

Labcorp Genetics (formerly Invitae), Labcorp
Classification: Pathogenic. Last evaluated: 2025-12-28. Review status: criteria provided, single submitter. Criteria: Invitae Variant Classification Sherloc (09022015). Collection method: clinical testing. Allele origin: germline.
Comment: This sequence change replaces isoleucine, which is neutral and non-polar, with asparagine, which is neutral and polar, at codon 694 of the ATP8B1 protein (p.Ile694Asn). This variant is present in population databases (rs541474497, gnomAD 0.04%). This missense change has been observed in individuals with progressive familial intrahepatic cholestasis-1 (PMID: 11815775, 27530795, 30366773). ClinVar contains an entry for this variant (Variation ID: 2679849). Invitae Evidence Modeling of protein sequence and biophysical properties (such as structural, functional, and spatial information, amino acid conservation, physicochemical variation, residue mobility, and thermodynamic stability) indicates that this missense variant is expected to disrupt ATP8B1 protein function with a positive predictive value of 80%. For these reasons, this variant has been classified as Pathogenic.

Baylor Genetics
Classification: Pathogenic for Benign recurrent intrahepatic cholestasis type 1. Last evaluated: 2024-03-30. Review status: criteria provided, single submitter. Criteria: ACMG Guidelines, 2015. Collection method: clinical testing. Allele origin: unknown.

Literature cited by the submitters: PubMed 40851490 (cited by Genomenon, Inc); PubMed 30366773 (cited by Genomenon, Inc and Labcorp Genetics (formerly Invitae), Labcorp); PubMed 20038848 (cited by Genomenon, Inc); PubMed 27530795 (cited by Genomenon, Inc and Labcorp Genetics (formerly Invitae), Labcorp); PubMed 26382629 (cited by Genomenon, Inc); PubMed 11815775 (cited by Labcorp Genetics (formerly Invitae), Labcorp).

NM_001374385.1(ATP8B1):c.2081T>A (p.Ile694Asn)

Gene: ATP8B1 (ATPase phospholipid transporting 8B1; minus strand). Cytogenetic location: 18q21.31.
Variant type: single nucleotide variant.
Coding change: c.2081T>A on transcript NM_001374385.1 (MANE Select); coding-DNA position 2081, T replaced by A.
Protein change: p.Ile694Asn; replaces isoleucine 694 with asparagine.
Molecular consequence: missense variant.
Genome position (GRCh38, 1-based): chr18:57,669,334, A>T on the plus strand (T>A on the coding strand, the complement: ATP8B1 is on the minus strand). VCF-style: chr18-57669334-A-T. GRCh37 (hg19) VCF-style: chr18-55336566-A-T.
Other names: c.1931T>A, p.Ile644Asn (NM_001374386.1); c.2081T>A, p.Ile694Asn (NM_005603.6); short protein forms I644N, I694N.
Identifiers: ClinVar variation 2679849 (VCV002679849.6), dbSNP rs541474497, ClinGen allele CA8974401.